The following is an entry in ClinVar:

ClinVar aggregate classification (germline): Conflicting classifications of pathogenicity. Review status: criteria provided, conflicting classifications (1 of 4 stars). 2 submissions from 2 submitters: Uncertain significance (1); Likely benign (1). Last evaluated 2024-12-12.

Conditions:
Inborn genetic diseases. Identifiers: MedGen C0950123, MeSH D030342.
Vici syndrome (VICIS). Identifiers: Orphanet 1493, MedGen C1855772, MONDO:0009452, OMIM 242840.

Allele frequency attached by ClinVar (database versions not stated): ExAC 0.00001; gnomAD exomes 0.00001 and 0.00002.
gnomAD v4.1: 14 of 1,613,960 alleles (0.00087%); highest among the groups gnomAD compares: Middle Eastern, 0.033%; no homozygotes.

Submissions (2):

Ambry Genetics
Classification: Likely benign for Inborn genetic diseases. Last evaluated: 2024-12-12. Review status: criteria provided, single submitter. Criteria: Ambry Variant Classification Scheme 2023. Collection method: clinical testing. Allele origin: germline.

Labcorp Genetics (formerly Invitae), Labcorp
Classification: Uncertain significance for Vici syndrome. Last evaluated: 2021-09-01. Review status: criteria provided, single submitter. Criteria: Invitae Variant Classification Sherloc (09022015). Collection method: clinical testing. Allele origin: germline.
Comment: This sequence change replaces glycine with glutamic acid at codon 107 of the EPG5 protein (p.Gly107Glu). The glycine residue is weakly conserved and there is a moderate physicochemical difference between glycine and glutamic acid. This variant is present in population databases (rs766983961, ExAC 0.002%). This variant has not been reported in the literature in individuals affected with EPG5-related conditions. Algorithms developed to predict the effect of missense changes on protein structure and function output the following: SIFT: "Tolerated"; PolyPhen-2: "Benign"; Align-GVGD: "Class C0". The glutamic acid amino acid residue is found in multiple mammalian species, which suggests that this missense change does not adversely affect protein function. In summary, the available evidence is currently insufficient to determine the role of this variant in disease. Therefore, it has been classified as a Variant of Uncertain Significance.

NM_020964.3(EPG5):c.320G>A (p.Gly107Glu)

Gene: EPG5 (ectopic P-granules 5 autophagy tethering factor; minus strand). Cytogenetic location: 18q21.1.
Variant type: single nucleotide variant.
Coding change: c.320G>A on transcript NM_020964.3 (MANE Select); coding-DNA position 320, G replaced by A.
Protein change: p.Gly107Glu; replaces glycine 107 with glutamic acid.
Molecular consequence: missense variant.
Genome position (GRCh38, 1-based): chr18:45,955,082, C>T on the plus strand (G>A on the coding strand, the complement: EPG5 is on the minus strand). VCF-style: chr18-45955082-C-T. GRCh37 (hg19) VCF-style: chr18-43535048-C-T.
Other names: c.320G>A (NM_020964.2); short protein forms G107E.
Identifiers: ClinVar variation 1051230 (VCV001051230.8), dbSNP rs766983961, ClinGen allele CA8949972.